The following is an entry in ClinVar:

NM_001429.4(EP300):c.1761-8T>G

Gene: EP300 (E1A binding protein p300; plus strand). Cytogenetic location: 22q13.2.
Variant type: single nucleotide variant.
Coding change: c.1761-8T>G on transcript NM_001429.4 (MANE Select); 8 bases into the intron before coding-DNA position 1761, T replaced by G.
Molecular consequence: intron variant.
Genome position (GRCh38, 1-based): chr22:41,140,132, T>G. VCF-style: chr22-41140132-T-G. GRCh37 (hg19) VCF-style: chr22-41536136-T-G.
Other names: c.1761-8T>G (NM_001362843.2).
Identifiers: ClinVar variation 3777366 (VCV003777366.1).
Genomic context (GRCh38, chr22:41,140,132, plus strand): 5'-ATAAAAATCAGAAAAATACTAATTAAATGCTGACATGATATTACAGTGGTAGGATTTTCT[T>G]TTTCCAGCGTCCAAGCCATATTTCCTACGCCGGATCCTGCTGCTTTAAAAGACAGACGGA-3'

ClinVar aggregate classification (germline): Uncertain significance (1 of 4 stars; one submission).

gnomAD v4.1: 3 of 1,602,160 alleles (0.00019%); no homozygotes.

Submission:

GeneDx
Classification: Uncertain significance. Last evaluated: 2024-10-14. Review status: criteria provided, single submitter. Criteria: GeneDx Variant Classification Process June 2021. Collection method: clinical testing. Allele origin: germline. Affected: yes.
Comment: Not observed at significant frequency in large population cohorts (gnomAD); Has not been previously published as pathogenic or benign to our knowledge; In silico analysis suggests this variant may impact gene splicing. In the absence of RNA/functional studies, the actual effect of this sequence change is unknown.